The following is an entry in ClinVar:

ClinVar aggregate classification (germline): Likely benign (0 of 4 stars; one submission).

Conditions:
CEP170B-related disorder. Also called: CEP170B-related condition.

Submission:

PreventionGenetics, part of Exact Sciences
Classification: Likely benign for CEP170B-related condition. Last evaluated: 2019-03-12. Review status: no assertion criteria provided. Collection method: clinical testing. Allele origin: germline.
Comment: This variant is classified as likely benign based on ACMG/AMP sequence variant interpretation guidelines (Richards et al. 2015 PMID: 25741868, with internal and published modifications).

NM_001112726.3(CEP170B):c.1623G>C (p.Pro541=)

Gene: CEP170B (centrosomal protein 170B; plus strand). Cytogenetic location: 14q32.33.
Variant type: single nucleotide variant.
Coding change: c.1623G>C on transcript NM_001112726.3 (MANE Select); coding-DNA position 1623, G replaced by C.
Protein change: p.Pro541=; no amino-acid change (proline 541 retained).
Molecular consequence: synonymous variant.
Genome position (GRCh38, 1-based): chr14:104,884,402, G>C. VCF-style: chr14-104884402-G-C. GRCh37 (hg19) VCF-style: chr14-105350739-G-C.
Other names: c.1413G>C, p.Pro471= (NM_015005.3).
Identifiers: ClinVar variation 3056306 (VCV003056306.2), dbSNP rs770450389, ClinGen allele CA488502199.